The following is an entry in ClinVar:

NM_001024630.4(RUNX2):c.838C>T (p.Gln280Ter)

Gene: RUNX2 (RUNX family transcription factor 2; plus strand). Cytogenetic location: 6p21.1.
Variant type: single nucleotide variant.
Coding change: c.838C>T on transcript NM_001024630.4 (MANE Select); coding-DNA position 838, C replaced by T.
Protein change: p.Gln280Ter; replaces glutamine 280 with a stop codon.
Molecular consequence: nonsense.
Genome position (GRCh38, 1-based): chr6:45,492,093, C>T. VCF-style: chr6-45492093-C-T. GRCh37 (hg19) VCF-style: chr6-45459830-C-T.
Other names: c.838C>T, p.Gln280Ter (NM_001015051.4); c.796C>T, p.Gln266Ter (NM_001278478.2, NM_001369405.1, NM_004348.3); short protein forms Q266*, Q280*.
Identifiers: ClinVar variation 2734883 (VCV002734883.4), dbSNP rs2548635895, ClinGen allele CA363958529.

ClinVar aggregate classification (germline): Pathogenic. Review status: criteria provided, multiple submitters, no conflicts (2 of 4 stars). 2 submissions from 2 submitters: Pathogenic (2). Last evaluated 2023-02-04.

Conditions:
Metaphyseal dysplasia-maxillary hypoplasia-brachydacty syndrome. Also called: Metaphyseal dysplasia with maxillary hypoplasia and brachydactyly; METAPHYSEAL DYSPLASIA AND MAXILLARY HYPOPLASIA WITH OR WITHOUT BRACHYDACTYLY; Metaphyseal dysplasia with maxillary hypoplasia with or without brachydactyly. Identifiers: Orphanet 2504, MedGen C3549874, MONDO:0007984, OMIM 156510.
Cleidocranial dysostosis (CLCD1). Also called: Marie-Sainton disease; Cleidocranial Dysplasia Spectrum Disorder; cleidocranial dysplasia 1. Identifiers: Orphanet 1452, MedGen C0008928, MONDO:0007340, OMIM 119600.

Submissions (2):

Labcorp Genetics (formerly Invitae), Labcorp
Classification: Pathogenic. Last evaluated: 2023-02-04. Review status: criteria provided, single submitter. Criteria: Invitae Variant Classification Sherloc (09022015). Collection method: clinical testing. Allele origin: germline.
Comment: This premature translational stop signal has been observed in individual(s) with cleidocranial dysplasia (PMID: 11857736). Algorithms developed to predict the effect of sequence changes on RNA splicing suggest that this variant may disrupt the consensus splice site. For these reasons, this variant has been classified as Pathogenic. This sequence change creates a premature translational stop signal (p.Gln280*) in the RUNX2 gene. It is expected to result in an absent or disrupted protein product. Loss-of-function variants in RUNX2 are known to be pathogenic (PMID: 10521292, 11857736). This variant is not present in population databases (gnomAD no frequency).

Juno Genomics, Hangzhou Juno Genomics, Inc
Classification: Pathogenic for Cleidocranial dysostosis; Metaphyseal dysplasia-maxillary hypoplasia-brachydacty syndrome. Review status: criteria provided, single submitter. Criteria: ACMG Guidelines, 2015. Collection method: clinical testing. Allele origin: germline. Affected: yes.
Comment: Absent from controls (or at extremely low frequency if recessive) in Genome Aggregation Database.;Null variant in a gene where loss of function (LOF) is a known mechanism of disease.;The prevalence of the variant in affected individuals is significantly increased compared to the prevalence in controls.

Literature cited by the submitters: PubMed 11857736 (cited by Labcorp Genetics (formerly Invitae), Labcorp); PubMed 10521292 (cited by Labcorp Genetics (formerly Invitae), Labcorp).